The following is an entry in ClinVar:

NM_015100.4(POGZ):c.1678_1678+1delinsTT

Gene: POGZ (pogo transposable element derived with ZNF domain; minus strand). Cytogenetic location: 1q21.3.
Variant type: Indel.
Coding change: c.1678_1678+1delinsTT on transcript NM_015100.4 (MANE Select); coding-DNA position 1678 through the canonical splice donor site of the intron after coding-DNA position 1678, AG replaced by TT.
Molecular consequence: splice donor variant.
Genome position (GRCh38, 1-based): chr1:151,423,396-151,423,397, CT replaced by AA on the plus strand (AG replaced by TT on the coding strand, the reverse complement: POGZ is on the minus strand). VCF-style: chr1-151423396-CT-AA. GRCh37 (hg19) VCF-style: chr1-151395872-CT-AA.
Other names: c.1492_1492+1delinsTT (NM_001194938.2); c.1393_1393+1delinsTT (NM_145796.4); c.1651_1651+1delinsTT (NM_001194937.2); c.1699_1699+1delinsTT (NM_001410860.1); c.1519_1519+1delinsTT (NM_207171.2).
Identifiers: ClinVar variation 3897547 (VCV003897547.1).
Genomic context (GRCh38, chr1:151,423,396, plus strand): 5'-GCCATTCAATGAGTGAACAGCAAGGTATATTCCCCTTGAGTTTAAGAGTTTCCAAACTTA[CT>AA]AGTAGATTCATAGGGACTATGAACATTTTCCAAGTGGCACTGAAGCTGGAAGGGAGTGGA-3'

ClinVar aggregate classification (germline): Likely pathogenic (1 of 4 stars; one submission).

Conditions:
Intellectual disability-microcephaly-strabismus-behavioral abnormalities syndrome. Also called: White-Sutton Syndrome. Identifiers: Orphanet 468678, MedGen C4225351, MONDO:0014606, OMIM 616364.

Submission:

Institute of Immunology and Genetics Kaiserslautern
Classification: Likely pathogenic for Intellectual disability-microcephaly-strabismus-behavioral abnormalities syndrome. Last evaluated: 2024-12-03. Review status: criteria provided, single submitter. Criteria: ACMG Guidelines, 2015. Collection method: clinical testing. Allele origin: germline. Affected: yes.
Comment: ACMG Criteria: PVS1, PM2; Variant was found in heterozygous state